The following is an entry in ClinVar:

ClinVar aggregate classification (germline): Pathogenic/Likely pathogenic. Review status: criteria provided, multiple submitters, no conflicts (2 of 4 stars). 2 submissions from 2 submitters: Pathogenic (1); Likely pathogenic (1). Last evaluated 2025-04-10.

Conditions:
Hypertrophic cardiomyopathy. Also called: HYPERTROPHIC MYOCARDIOPATHY. Identifiers: Orphanet 217569, MedGen C0007194, MeSH D002312, MONDO:0005045, HP:0001639.

Submissions (2):

Labcorp Genetics (formerly Invitae), Labcorp
Classification: Pathogenic for Hypertrophic cardiomyopathy. Last evaluated: 2025-04-10. Review status: criteria provided, single submitter. Criteria: Invitae Variant Classification Sherloc (09022015). Collection method: clinical testing. Allele origin: germline.
Comment: This sequence change creates a premature translational stop signal (p.Thr65Tyrfs*48) in the MYBPC3 gene. It is expected to result in an absent or disrupted protein product. Loss-of-function variants in MYBPC3 are known to be pathogenic (PMID: 19574547). This variant is not present in population databases (gnomAD no frequency). This variant has not been reported in the literature in individuals affected with MYBPC3-related conditions. For these reasons, this variant has been classified as Pathogenic.

GeneDx
Classification: Likely pathogenic. Last evaluated: 2024-09-21. Review status: criteria provided, single submitter. Criteria: GeneDx Variant Classification Process June 2021. Collection method: clinical testing. Allele origin: germline. Affected: yes.
Comment: Frameshift variant predicted to result in protein truncation or nonsense mediated decay in a gene for which loss-of-function is a known mechanism of disease; Not observed at significant frequency in large population cohorts (gnomAD); Has not been previously published as pathogenic or benign to our knowledge

Literature cited by the submitters: PubMed 19574547 (cited by Labcorp Genetics (formerly Invitae), Labcorp).

NM_000256.3(MYBPC3):c.192dup (p.Thr65fs)

Gene: MYBPC3 (myosin binding protein C3; minus strand). Cytogenetic location: 11p11.2.
Variant type: Duplication.
Coding change: c.192dup on transcript NM_000256.3 (MANE Select); coding-DNA position 192, one base duplicated (T; older notation c.192dupT).
Protein change: p.Thr65fs; shifts the reading frame from threonine 65.
Molecular consequence: frameshift variant.
Genome position (GRCh38, 1-based): chr11:47,351,339, A duplicated on the plus strand (T on the coding strand, the reverse complement: MYBPC3 is on the minus strand). VCF-style (leftmost placement, unchanged base first): chr11-47351338-T-TA. GRCh37 (hg19) VCF-style: chr11-47372889-T-TA.
Other names: short protein forms T65fs.
Identifiers: ClinVar variation 3773950 (VCV003773950.2).